The following is an entry in ClinVar:

ClinVar aggregate classification (germline): Likely pathogenic (1 of 4 stars; one submission).

Submission:

Labcorp Genetics (formerly Invitae), Labcorp
Classification: Likely pathogenic. Last evaluated: 2024-02-18. Review status: criteria provided, single submitter. Criteria: Invitae Variant Classification Sherloc (09022015). Collection method: clinical testing. Allele origin: germline.
Comment: This sequence change affects an acceptor splice site in intron 7 of the COL4A3 gene. It is expected to disrupt RNA splicing. Variants that disrupt the donor or acceptor splice site typically lead to a loss of protein function (PMID: 16199547), and loss-of-function variants in COL4A3 are known to be pathogenic (PMID: 8956999, 24854265, 26809805, 27281700). This variant is not present in population databases (gnomAD no frequency). This variant has not been reported in the literature in individuals affected with COL4A3-related conditions. Algorithms developed to predict the effect of sequence changes on RNA splicing suggest that this variant may disrupt the consensus splice site. In summary, the currently available evidence indicates that the variant is pathogenic, but additional data are needed to prove that conclusively. Therefore, this variant has been classified as Likely Pathogenic.

Literature cited by the submitters: PubMed 16199547; PubMed 8956999; PubMed 24854265; PubMed 26809805; PubMed 27281700.

NM_000091.5(COL4A3):c.442-2A>G

Genes: COL4A3 (collagen type IV alpha 3 chain; plus strand), MFF-DT (MFF divergent transcript; minus strand). Cytogenetic location: 2q36.3.
Variant type: single nucleotide variant.
Coding change: c.442-2A>G on transcript NM_000091.5 (MANE Select); the canonical splice acceptor site of the intron before coding-DNA position 442, A replaced by G.
Molecular consequence: splice acceptor variant.
Genome position (GRCh38, 1-based): chr2:227,247,556, A>G. VCF-style: chr2-227247556-A-G. GRCh37 (hg19) VCF-style: chr2-228112272-A-G.
Identifiers: ClinVar variation 3641890 (VCV003641890.2).